The following is an entry in ClinVar:

NM_000218.3(KCNQ1):c.1377C>T (p.Asp459=)

Gene: KCNQ1 (potassium voltage-gated channel subfamily Q member 1; plus strand). Cytogenetic location: 11p15.5.
Variant type: single nucleotide variant.
Coding change: c.1377C>T on transcript NM_000218.3 (MANE Select); coding-DNA position 1377, C replaced by T.
Protein change: p.Asp459=; no amino-acid change (aspartic acid 459 retained).
Molecular consequence: synonymous variant.
Genome position (GRCh38, 1-based): chr11:2,588,838, C>T. VCF-style: chr11-2588838-C-T. GRCh37 (hg19) VCF-style: chr11-2610068-C-T.
Other names: c.1281C>T, p.Asp427= (NM_001406836.1); c.1107C>T, p.Asp369= (NM_001406837.1); c.837C>T, p.Asp279= (NM_001406838.1); c.996C>T, p.Asp332= (NM_181798.2).
Identifiers: ClinVar variation 628913 (VCV000628913.13), dbSNP rs200418488, ClinGen allele CA028996.

ClinVar aggregate classification (germline): Likely benign. Review status: criteria provided, multiple submitters, no conflicts (2 of 4 stars). 6 submissions from 6 submitters: Likely benign (6). Last evaluated 2025-11-11.

Conditions:
Long QT syndrome (LQTS). Identifiers: MedGen C0023976, MeSH D008133, MONDO:0002442. Disease mechanism: loss of function. Inheritance: Various modes of inheritance.
Cardiovascular phenotype. Identifiers: MedGen CN230736.
Cardiac arrhythmia. Also called: Arrhythmia; Cardiac rhythm disease. Identifiers: MedGen C0003811, MONDO:0007263, HP:0011675.
Long QT syndrome 1 (LQT1). Identifiers: Orphanet 101016, Orphanet 768, MedGen C4551647, MONDO:0100316, OMIM 192500, MONDO:0008646.
Atrial fibrillation, familial, 3 (ATFB3). Identifiers: MedGen C1837014, MONDO:0011857, OMIM 607554.
Beckwith-Wiedemann syndrome (BWS). Also called: Exomphalos macroglossia gigantism syndrome; EMG SYNDROME. Identifiers: Orphanet 116, MedGen C0004903, MONDO:0007534, OMIM 130650.
Short QT syndrome type 2. Identifiers: Orphanet 51083, MedGen C1865019, MONDO:0012313, OMIM 609621.
Jervell and Lange-Nielsen syndrome 1 (JLNS1). Also called: DEAFNESS, CONGENITAL, AND FUNCTIONAL HEART DISEASE; CARDIOAUDITORY SYNDROME OF JERVELL AND LANGE-NIELSEN; PROLONGED QT INTERVAL IN EKG AND SUDDEN DEATH; SURDO-CARDIAC SYNDROME. Identifiers: Orphanet 768, Orphanet 90647, MedGen C4551509, MONDO:0024540, OMIM 220400.

Allele frequency attached by ClinVar (database versions not stated): gnomAD 0.00001 and 0.00003; gnomAD exomes 0.00002; TOPMed 0.00002; ExAC 0.00003; 1000 Genomes Project 30x 0.00016; 1000 Genomes Project 0.00020.
gnomAD v4.1: 15 of 1,612,192 alleles (0.00093%); highest among the groups gnomAD compares: Middle Eastern, 0.019%; no homozygotes.

Submissions (6):

Labcorp Genetics (formerly Invitae), Labcorp
Classification: Likely benign for Long QT syndrome. Last evaluated: 2025-11-11. Review status: criteria provided, single submitter. Criteria: Invitae Variant Classification Sherloc (09022015). Collection method: clinical testing. Allele origin: germline.

All of Us Research Program, National Institutes of Health
Classification: Likely benign for Long QT syndrome. Last evaluated: 2023-12-13. Review status: criteria provided, single submitter. Criteria: ACMG Guidelines, 2015. Collection method: clinical testing. Allele origin: germline. Inheritance: Autosomal dominant inheritance. Observed: 3 variant alleles, 3 heterozygotes.
Comment: This study involves interpretation of variants in research participants for the purpose of population health screening. Participant phenotype was not available at the time of variant classification. Additional details can be found in publication PMID: 35346344, PMCID: PMC8962531

Blueprint Genetics
Classification: Likely benign. Last evaluated: 2023-05-12. Review status: criteria provided, single submitter. Criteria: ACMG Guidelines, 2015. Collection method: clinical testing. Allele origin: germline.

Fulgent Genetics
Classification: Likely benign for Beckwith-Wiedemann syndrome; Long QT syndrome 1; Jervell and Lange-Nielsen syndrome 1; Atrial fibrillation, familial, 3; Short QT syndrome type 2. Last evaluated: 2021-08-13. Review status: criteria provided, single submitter. Criteria: ACMG Guidelines, 2015. Collection method: clinical testing. Allele origin: unknown.

Ambry Genetics
Classification: Likely benign for Cardiovascular phenotype. Last evaluated: 2018-12-29. Review status: criteria provided, single submitter. Criteria: Ambry Variant Classification Scheme 2023. Collection method: clinical testing. Allele origin: germline.

Color Diagnostics, LLC DBA Color Health
Classification: Likely benign for Arrhythmia. Last evaluated: 2018-07-22. Review status: criteria provided, single submitter. Criteria: ACMG Guidelines, 2015. Collection method: clinical testing. Allele origin: germline.